The following is an entry in ClinVar:

NM_001076786.3(QSER1):c.780T>C (p.Ser260=)

Gene: QSER1 (glutamine and serine rich 1; plus strand). Cytogenetic location: 11p13.
Variant type: single nucleotide variant.
Coding change: c.780T>C on transcript NM_001076786.3 (MANE Select); coding-DNA position 780, T replaced by C.
Protein change: p.Ser260=; no amino-acid change (serine 260 retained).
Molecular consequence: synonymous variant.
Genome position (GRCh38, 1-based): chr11:32,932,038, T>C. VCF-style: chr11-32932038-T-C. GRCh37 (hg19) VCF-style: chr11-32953584-T-C.
Other names: c.780T>C, p.Ser260= (NM_001416036.1, NM_001416037.1, NM_001416039.1); c.618T>C, p.Ser206= (NM_001416038.1).
Identifiers: ClinVar variation 2641710 (VCV002641710.24), dbSNP rs766717922, ClinGen allele CA5936053.

ClinVar aggregate classification (germline): Likely benign (1 of 4 stars; one submission).

Allele frequency attached by ClinVar (database versions not stated): ExAC 0.00003; TOPMed 0.00006; gnomAD 0.00009; gnomAD exomes 0.00009.
gnomAD v4.1: 146 of 1,614,126 alleles (0.009%); highest among the groups gnomAD compares: Middle Eastern, 0.033%; no homozygotes.

Submission:

CeGaT Center for Human Genetics Tuebingen
Classification: Likely benign. Last evaluated: 2023-03-01. Review status: criteria provided, single submitter. Criteria: CeGaT Center For Human Genetics Tuebingen Variant Classification Criteria Version 2. Collection method: clinical testing. Allele origin: germline. Affected: yes. Observed: 1 variant allele.
Comment: QSER1: BP4, BP7